The following is an entry in ClinVar:

ClinVar aggregate classification (germline): Conflicting classifications of pathogenicity. Review status: criteria provided, conflicting classifications (1 of 4 stars). 2 submissions from 2 submitters: Uncertain significance (1); Benign (1). Last evaluated 2026-02-02.

Conditions:
Nance-Horan syndrome (NHS). Identifiers: Orphanet 627, MedGen C0796085, MONDO:0010545, OMIM 302350.

Allele frequency attached by ClinVar (database versions not stated): gnomAD 0.00001; gnomAD exomes 0.00001 and 0.00002; TOPMed 0.00003.
gnomAD v4.1: 17 of 1,207,968 alleles (0.0014%); highest among the groups gnomAD compares: Admixed American, 0.0088%; no homozygotes.

Submissions (2):

Labcorp Genetics (formerly Invitae), Labcorp
Classification: Benign for Nance-Horan syndrome. Last evaluated: 2026-02-02. Review status: criteria provided, single submitter. Criteria: Invitae Variant Classification Sherloc (09022015). Collection method: clinical testing. Allele origin: germline.

Laboratorio de Genetica e Diagnostico Molecular, Hospital Israelita Albert Einstein
Classification: Uncertain significance. Last evaluated: 2021-09-03. Review status: criteria provided, single submitter. Criteria: ACMG Guidelines, 2015. Collection method: clinical testing. Allele origin: germline. Affected: yes.
Comment: ACMG classification criteria: PM2, BP4

NM_001291867.2(NHS):c.743G>A (p.Arg248Gln)

Gene: NHS (NHS actin remodeling regulator; plus strand). Cytogenetic location: Xp22.13.
Variant type: single nucleotide variant.
Coding change: c.743G>A on transcript NM_001291867.2 (MANE Select); coding-DNA position 743, G replaced by A.
Protein change: p.Arg248Gln; replaces arginine 248 with glutamine.
Molecular consequence: missense variant.
Genome position (GRCh38, 1-based): chrX:17,692,359, G>A. VCF-style: chrX-17692359-G-A. GRCh37 (hg19) VCF-style: chrX-17710479-G-A.
Other names: c.212G>A, p.Arg71Gln (NM_001136024.4, NM_001291868.2); c.743G>A, p.Arg248Gln (NM_198270.4); short protein forms R248Q, R71Q.
Identifiers: ClinVar variation 1691040 (VCV001691040.4), dbSNP rs763162787, ClinGen allele CA326964673.